The following is an entry in ClinVar:

ClinVar aggregate classification (germline): Likely benign (1 of 4 stars; one submission).

Conditions:
Breast-ovarian cancer, familial, susceptibility to, 4. Identifiers: Orphanet 145, MedGen C3280345, MONDO:0013669, OMIM 614291.

Submission:

Myriad Genetics, Inc.
Classification: Likely benign for Breast-ovarian cancer, familial, susceptibility to, 4. Last evaluated: 2025-02-21. Review status: criteria provided, single submitter. Criteria: Myriad Autosomal Dominant, Autosomal Recessive and X-Linked Classification Criteria (2023). Collection method: clinical testing. Allele origin: unknown.
Comment: This variant is considered likely benign. This variant is intronic and is not expected to impact mRNA splicing.

NM_002878.4(RAD51D):c.345+8T>G

Genes: RAD51L3-RFFL (RAD51L3-RFFL readthrough; minus strand), RAD51D (RAD51 paralog D; minus strand). Cytogenetic location: 17q12.
Variant type: single nucleotide variant.
Coding change: c.345+8T>G on transcript NM_002878.4 (MANE Select); 8 bases into the intron after coding-DNA position 345, T replaced by G.
Molecular consequence: intron variant.
Genome position (GRCh38, 1-based): chr17:35,107,358, A>C on the plus strand (T>G on the coding strand, the complement: RAD51D is on the minus strand). VCF-style: chr17-35107358-A-C. GRCh37 (hg19) VCF-style: chr17-33434377-A-C.
Other names: c.145-877T>G (NM_133629.3); c.405+8T>G (NM_001142571.2).
Identifiers: ClinVar variation 3904031 (VCV003904031.1).